The following is an entry in ClinVar:

NM_001943.5(DSG2):c.902T>C (p.Ile301Thr)

Gene: DSG2 (desmoglein 2; plus strand). Cytogenetic location: 18q12.1.
Variant type: single nucleotide variant.
Coding change: c.902T>C on transcript NM_001943.5 (MANE Select); coding-DNA position 902, T replaced by C.
Protein change: p.Ile301Thr; replaces isoleucine 301 with threonine.
Molecular consequence: missense variant.
Genome position (GRCh38, 1-based): chr18:31,524,776, T>C. VCF-style: chr18-31524776-T-C. GRCh37 (hg19) VCF-style: chr18-29104739-T-C.
Other names: short protein forms I301T.
Identifiers: ClinVar variation 1509358 (VCV001509358.9), dbSNP rs1370553229, ClinGen allele CA402135627.

ClinVar aggregate classification (germline): Uncertain significance. Review status: criteria provided, multiple submitters, no conflicts (2 of 4 stars). 3 submissions from 3 submitters: Uncertain significance (3). Last evaluated 2025-01-12.

Conditions:
Arrhythmogenic right ventricular cardiomyopathy (ARVD). Also called: Cardiomyopathy, ARVC; Arrhythmogenic right ventricular dysplasia; Arrhythmogenic cardiomyopathy; Arrhythmogenic Right Ventricular Cardiomyopathy (ARVC). Identifiers: Orphanet 247, MedGen C0349788, MeSH D019571, MONDO:0016587. Disease mechanism: loss of function. Inheritance: Various modes of inheritance.
Cardiovascular phenotype. Identifiers: MedGen CN230736.
Arrhythmogenic right ventricular dysplasia 10. Also called: Arrhythmogenic right ventricular dysplasia/cardiomyopathy, type 10; Arrhythmogenic Right Ventricular Dysplasia/Cardiomyopathy10; ARRHYTHMOGENIC RIGHT VENTRICULAR DYSPLASIA, FAMILIAL, 10. Identifiers: MedGen C1857777, MONDO:0012434, OMIM 610193.

Allele frequency attached by ClinVar (database versions not stated): gnomAD 0.00001; gnomAD exomes 0.00001; TOPMed 0.00002.
gnomAD v4.1: 8 of 1,614,012 alleles (0.0005%); highest among the groups gnomAD compares: Middle Eastern, 0.016%; no homozygotes.

Submissions (3):

Labcorp Genetics (formerly Invitae), Labcorp
Classification: Uncertain significance for Arrhythmogenic right ventricular dysplasia 10. Last evaluated: 2025-01-12. Review status: criteria provided, single submitter. Criteria: Invitae Variant Classification Sherloc (09022015). Collection method: clinical testing. Allele origin: germline.
Comment: This sequence change replaces isoleucine, which is neutral and non-polar, with threonine, which is neutral and polar, at codon 301 of the DSG2 protein (p.Ile301Thr). The frequency data for this variant in the population databases is considered unreliable, as metrics indicate poor data quality at this position in the gnomAD database. This variant has not been reported in the literature in individuals affected with DSG2-related conditions. ClinVar contains an entry for this variant (Variation ID: 1509358). Invitae Evidence Modeling of protein sequence and biophysical properties (such as structural, functional, and spatial information, amino acid conservation, physicochemical variation, residue mobility, and thermodynamic stability) indicates that this missense variant is not expected to disrupt DSG2 protein function with a negative predictive value of 95%. In summary, the available evidence is currently insufficient to determine the role of this variant in disease. Therefore, it has been classified as a Variant of Uncertain Significance.

All of Us Research Program, National Institutes of Health
Classification: Uncertain significance for Arrhythmogenic right ventricular cardiomyopathy. Last evaluated: 2023-11-30. Review status: criteria provided, single submitter. Criteria: ACMG Guidelines, 2015. Collection method: clinical testing. Allele origin: germline. Inheritance: Autosomal dominant inheritance. Observed: 1 variant allele, 1 heterozygote.
Comment: This study involves interpretation of variants in research participants for the purpose of population health screening. Participant phenotype was not available at the time of variant classification. Additional details can be found in publication PMID: 35346344, PMCID: PMC8962531

Ambry Genetics
Classification: Uncertain significance for Cardiovascular phenotype. Last evaluated: 2020-10-13. Review status: criteria provided, single submitter. Criteria: Ambry Variant Classification Scheme 2023. Collection method: clinical testing. Allele origin: germline.
Comment: The p.I301T variant (also known as c.902T>C), located in coding exon 8 of the DSG2 gene, results from a T to C substitution at nucleotide position 902. The isoleucine at codon 301 is replaced by threonine, an amino acid with similar properties. This variant has been detected in an ichthyosis vulgaris and atopic dermatitis cohort (Taylan F et al. J Allergy Clin Immunol, 2015 Aug;136:507-9.e19). This amino acid position is poorly conserved in available vertebrate species. In addition, this alteration is predicted to be tolerated by in silico analysis. Since supporting evidence is limited at this time, the clinical significance of this alteration remains unclear.

Literature cited by the submitters: PubMed 25819062 (cited by Ambry Genetics).